The following is an entry in ClinVar:

ClinVar aggregate classification (germline): Likely benign. Review status: criteria provided, multiple submitters, no conflicts (2 of 4 stars). 4 submissions from 4 submitters: Likely benign (4). Last evaluated 2025-10-17.

Conditions:
Hypertrophic cardiomyopathy. Also called: HYPERTROPHIC MYOCARDIOPATHY. Identifiers: Orphanet 217569, MedGen C0007194, MeSH D002312, MONDO:0005045, HP:0001639.
Cardiovascular phenotype. Identifiers: MedGen CN230736.
Cardiomyopathy (CMYO). Also called: Cardiomyopathies. Identifiers: Orphanet 167848, MedGen C0878544, MONDO:0004994, HP:0001638. Inheritance: Various modes of inheritance.

Allele frequency attached by ClinVar (database versions not stated): gnomAD exomes below 0.00001; ExAC 0.00001; gnomAD 0.00001; TOPMed 0.00001.
gnomAD v4.1: 3 of 1,613,188 alleles (0.00019%); highest among the groups gnomAD compares: Admixed American, 0.0017%; no homozygotes.

Submissions (4):

Labcorp Genetics (formerly Invitae), Labcorp
Classification: Likely benign for Hypertrophic cardiomyopathy. Last evaluated: 2025-10-17. Review status: criteria provided, single submitter. Criteria: Invitae Variant Classification Sherloc (09022015). Collection method: clinical testing. Allele origin: germline.

Ambry Genetics
Classification: Likely benign for Cardiovascular phenotype. Last evaluated: 2025-06-07. Review status: criteria provided, single submitter. Criteria: Ambry Variant Classification Scheme 2023. Collection method: clinical testing. Allele origin: germline.

All of Us Research Program, National Institutes of Health
Classification: Likely benign for Hypertrophic cardiomyopathy. Last evaluated: 2023-12-07. Review status: criteria provided, single submitter. Criteria: ACMG Guidelines, 2015. Collection method: clinical testing. Allele origin: germline. Inheritance: Autosomal dominant inheritance. Observed: 2 variant alleles, 2 heterozygotes.
Comment: This study involves interpretation of variants in research participants for the purpose of population health screening. Participant phenotype was not available at the time of variant classification. Additional details can be found in publication PMID: 35346344, PMCID: PMC8962531

Color Diagnostics, LLC DBA Color Health
Classification: Likely benign for Cardiomyopathy. Last evaluated: 2018-12-16. Review status: criteria provided, single submitter. Criteria: ACMG Guidelines, 2015. Collection method: clinical testing. Allele origin: germline.

NM_000256.3(MYBPC3):c.1338G>A (p.Glu446=)

Gene: MYBPC3 (myosin binding protein C3; minus strand). Cytogenetic location: 11p11.2.
Variant type: single nucleotide variant.
Coding change: c.1338G>A on transcript NM_000256.3 (MANE Select); coding-DNA position 1338, G replaced by A.
Protein change: p.Glu446=; no amino-acid change (glutamic acid 446 retained).
Molecular consequence: synonymous variant.
Genome position (GRCh38, 1-based): chr11:47,343,034, C>T on the plus strand (G>A on the coding strand, the complement: MYBPC3 is on the minus strand). VCF-style: chr11-47343034-C-T. GRCh37 (hg19) VCF-style: chr11-47364585-C-T.
Identifiers: ClinVar variation 924624 (VCV000924624.11), dbSNP rs757182984, ClinGen allele CA078006.
Genomic context (GRCh38, chr11:47,343,034, plus strand): 5'-AGGCCATCTCCTCCCCAGGTTCCCACATCCTCAGGTCCCAGGCCCACCTTTCACAAAGAG[C>T]TCCGTGCTACACTTCTCGCCACCCACCACGCACTGGTAGGCTGCGTCGTCCGCCAATGAG-3'
Protein context (NP_000247.2, residues 436-456): CVVGGEKCST[Glu446=]LFVKEPPVLI